The following is an entry in ClinVar:

ClinVar aggregate classification (germline): Pathogenic. Review status: criteria provided, multiple submitters, no conflicts (2 of 4 stars). 6 submissions from 6 submitters: Pathogenic (6). Last evaluated 2026-08-08.

Conditions:
ENG-related disorder. Also called: ENG-related condition; ENG-related disorders.
Telangiectasia, hereditary hemorrhagic, type 1 (HHT1). Also called: Osler Weber Rendu syndrome type 1; ENG-Related Hereditary Hemorrhagic Telangiectasia. Identifiers: Orphanet 774, MedGen C4551861, MONDO:0008535, OMIM 187300. Disease mechanism: loss of function.
Hereditary hemorrhagic telangiectasia (HHT). Also called: Osler hemorrhagic telangiectasia syndrome; ORW DISEASE; Osler Weber Rendu syndrome; OSLER-RENDU-WEBER DISEASE. Identifiers: Orphanet 774, MedGen C0039445, MONDO:0019180. Disease mechanism: loss of function.
Cardiovascular phenotype. Identifiers: MedGen CN230736.

Submissions (6):

GeneDx
Classification: Pathogenic. Last evaluated: 2026-08-08. Review status: criteria provided, single submitter. Criteria: GeneDx Variant Classification Process June 2021. Collection method: clinical testing. Allele origin: germline.
Comment: Not observed at significant frequency in large population cohorts (gnomAD); Frameshift variant predicted to result in protein truncation or nonsense mediated decay in a gene for which loss of function is a known mechanism of disease; This variant is associated with the following publications: (PMID: 34872578, 22991266, 15879500, 23801935, 15880681, 15517393, 15024723, 32300199, 15907823, 12673790, 16470787)

Labcorp Genetics (formerly Invitae), Labcorp
Classification: Pathogenic for Hereditary hemorrhagic telangiectasia. Last evaluated: 2025-11-21. Review status: criteria provided, single submitter. Criteria: Invitae Variant Classification Sherloc (09022015). Collection method: clinical testing. Allele origin: germline.
Comment: This sequence change creates a premature translational stop signal (p.Ser449Phefs*51) in the ENG gene. It is expected to result in an absent or disrupted protein product. Loss-of-function variants in ENG are known to be pathogenic (PMID: 15879500). This variant is not present in population databases (gnomAD no frequency). This premature translational stop signal has been observed in individuals with hereditary hemorrhagic telangiectasia (PMID: 12673790, 15024723, 15517393, 22991266). ClinVar contains an entry for this variant (Variation ID: 572526). For these reasons, this variant has been classified as Pathogenic.

Mayo Clinic Laboratories, Mayo Clinic
Classification: Pathogenic. Last evaluated: 2025-03-25. Review status: criteria provided, single submitter. Criteria: ACMG Guidelines, 2015. Collection method: clinical testing. Allele origin: germline. Observed: 2 variant alleles.
Comment: PP4_moderate, PM2_supporting, PS3_supporting, PS4, PVS1

Fulgent Genetics
Classification: Pathogenic for Telangiectasia, hereditary hemorrhagic, type 1. Last evaluated: 2024-06-18. Review status: criteria provided, single submitter. Criteria: ACMG Guidelines, 2015. Collection method: clinical testing. Allele origin: germline.

Blueprint Genetics
Classification: Pathogenic for ENG-related disorders. Last evaluated: 2022-11-15. Review status: criteria provided, single submitter. Criteria: ACMG Guidelines, 2015. Collection method: clinical testing. Allele origin: germline. Affected: yes. Observed: 1 variant allele.

Ambry Genetics
Classification: Pathogenic for Cardiovascular phenotype. Last evaluated: 2019-05-08. Review status: criteria provided, single submitter. Criteria: Ambry Variant Classification Scheme 2023. Collection method: clinical testing. Allele origin: germline.
Comment: The c.1346_1347delCT pathogenic mutation, located in coding exon 11 of the ENG gene, results from a deletion of two nucleotides at nucleotide positions 1346 to 1347, causing a translational frameshift with a predicted alternate stop codon (p.S449Ffs*51). This mutation was first described in a hereditary hemorrhagic telangiectasia (HHT) family with multiple affected individuals; the proband had reduced levels of endoglin compared to controls (Cymerman U et al. Hum. Mutat., 2003 May;21:482-92). This mutation has also been described in French, Dutch, and German individuals with HHT (Lesca G et al. Hum. Mutat., 2004 Apr;23:289-99; Letteboer TG et al. Hum. Genet., 2005 Jan;116:8-16; Schulte C et al. Hum. Mutat., 2005 Jun;25:595). In addition to the clinical data presented in the literature, this alteration is expected to result in loss of function by premature protein truncation or nonsense-mediated mRNA decay. As such, this alteration is interpreted as a disease-causing mutation.

Literature cited by the submitters: PubMed 15879500 (cited by Labcorp Genetics (formerly Invitae), Labcorp and Mayo Clinic Laboratories, Mayo Clinic); PubMed 12673790 (cited by 3 submitters); PubMed 15024723 (cited by 3 submitters); PubMed 15517393 (cited by 3 submitters); PubMed 22991266 (cited by Labcorp Genetics (formerly Invitae), Labcorp and Mayo Clinic Laboratories, Mayo Clinic); PubMed 15880681 (cited by Mayo Clinic Laboratories, Mayo Clinic and Ambry Genetics); PubMed 15907823 (cited by Mayo Clinic Laboratories, Mayo Clinic); PubMed 16470787 (cited by Mayo Clinic Laboratories, Mayo Clinic); PubMed 17719943 (cited by Mayo Clinic Laboratories, Mayo Clinic); PubMed 23801935 (cited by Mayo Clinic Laboratories, Mayo Clinic); PubMed 32300199 (cited by Mayo Clinic Laboratories, Mayo Clinic); PubMed 34872578 (cited by Mayo Clinic Laboratories, Mayo Clinic).

NM_001114753.3(ENG):c.1346_1347del (p.Ser449fs)

Genes: ENG (endoglin; minus strand), LOC102723566 (uncharacterized LOC102723566; plus strand). Cytogenetic location: 9q34.11.
Variant type: Microsatellite.
Coding change: c.1346_1347del on transcript NM_001114753.3 (MANE Select); coding-DNA positions 1346 to 1347, 2 bases deleted (CT; older notation c.1346_1347delCT).
Protein change: p.Ser449fs; shifts the reading frame from serine 449.
Molecular consequence: frameshift variant.
Genome position (GRCh38, 1-based): chr9:127,818,797-127,818,798, AG deleted on the plus strand (CT on the coding strand, the reverse complement: ENG is on the minus strand); deleting any 2 consecutive bases within chr9:127,818,797-127,818,802 gives the same sequence; the c. name uses the placement nearest the transcript's 3' end. VCF-style (leftmost placement, unchanged base first): chr9-127818796-AAG-A. GRCh37 (hg19) VCF-style: chr9-130581075-AAG-A.
Other names: c.1346_1347delCT (NM_001114753.2, NM_000118.3); c.1342_1343CT[2], p.Ser449Phefs (NM_000118.4, NM_001114753.2); c.800_801del, p.Ser267fs (NM_001278138.2); c.1346_1347del (NM_001114753.2); short protein forms S267fs, S449fs.
Identifiers: ClinVar variation 572526 (VCV000572526.24), dbSNP rs1564453019, ClinGen allele CA891842556.